The following is an entry in ClinVar:

NM_001378452.1(ITPR1):c.2280G>T (p.Leu760=)

Gene: ITPR1 (inositol 1,4,5-trisphosphate receptor type 1; plus strand). Cytogenetic location: 3p26.1.
Variant type: single nucleotide variant.
Coding change: c.2280G>T on transcript NM_001378452.1 (MANE Select); coding-DNA position 2280, G replaced by T.
Protein change: p.Leu760=; no amino-acid change (leucine 760 retained).
Molecular consequence: synonymous variant.
Genome position (GRCh38, 1-based): chr3:4,673,211, G>T. VCF-style: chr3-4673211-G-T. GRCh37 (hg19) VCF-style: chr3-4714895-G-T.
Other names: c.2280G>T, p.Leu760= (NM_001099952.4); c.2235G>T, p.Leu745= (NM_001168272.2, NM_002222.7).
Identifiers: ClinVar variation 345711 (VCV000345711.13), dbSNP rs375801584, ClinGen allele CA2231385.
Genomic context (GRCh38, chr3:4,673,211, plus strand): 5'-CTTTGCGAGGATGTGTCTGGACCGCCAATACCTGGCCATCAACGAAATCTCAGGCCAGCT[G>T]GATGTCGATCTCATTCTCCGCTGCATGTCTGACGAGAACCTGCCCTATGACCTCAGGGCG-3'
Protein context (NP_001365381.1, residues 750-770): YLAINEISGQ[Leu760=]DVDLILRCMS

ClinVar aggregate classification (germline): Benign. Review status: criteria provided, multiple submitters, no conflicts (2 of 4 stars). 3 submissions from 3 submitters: Benign (3). Last evaluated 2026-01-19.

Conditions:
Autosomal dominant cerebellar ataxia. Also called: Spinocerebellar Ataxia, Dominant. Identifiers: Orphanet 99, MedGen C4087347, MONDO:0020380.

Allele frequency attached by ClinVar (database versions not stated): gnomAD 0.00011 and 0.00013; gnomAD exomes 0.00011 and 0.00043; TOPMed 0.00019; ExAC 0.00046; 1000 Genomes Project 0.00060; 1000 Genomes Project 30x 0.00062.
gnomAD v4.1: 202 of 1,613,958 alleles (0.013%); highest among the groups gnomAD compares: East Asian, 0.38%; 1 homozygote.

Submissions (3):

Labcorp Genetics (formerly Invitae), Labcorp
Classification: Benign. Last evaluated: 2026-01-19. Review status: criteria provided, single submitter. Criteria: Invitae Variant Classification Sherloc (09022015). Collection method: clinical testing. Allele origin: germline.

Athena Diagnostics
Classification: Benign. Last evaluated: 2018-02-22. Review status: criteria provided, single submitter. Criteria: Athena Diagnostics Criteria. Collection method: clinical testing. Allele origin: germline.

Illumina Laboratory Services, Illumina
Classification: Benign for Spinocerebellar Ataxia, Dominant. Last evaluated: 2018-01-12. Review status: criteria provided, single submitter. Criteria: ICSL Variant Classification Criteria 13 December 2019. Collection method: clinical testing. Allele origin: germline.
Comment: This variant was observed in the ICSL laboratory as part of a predisposition screen in an ostensibly healthy population. It had not been previously curated by ICSL or reported in the Human Gene Mutation Database (HGMD: prior to June 1st, 2018), and was therefore a candidate for classification through an automated scoring system. Utilizing variant allele frequency, disease prevalence and penetrance estimates, and inheritance mode, an automated score was calculated to assess if this variant is too frequent to cause the disease. Based on the score and internal cut-off values, a variant classified as benign is not then subjected to further curation. The score for this variant resulted in a classification of benign for this disease.